The following is an entry in ClinVar:

NM_001267550.2(TTN):c.48638+5del

Genes: TTN (titin; minus strand), TTN-AS1 (TTN antisense RNA 1; plus strand), LOC126806426 (BRD4-independent group 4 enhancer GRCh37_chr2:179478848-179480047; plus strand). Cytogenetic location: 2q31.2.
Variant type: Deletion.
Coding change: c.48638+5del on transcript NM_001267550.2 (MANE Select); 5 bases into the intron after coding-DNA position 48638, one base deleted (G; older notation c.48638+5delG).
Molecular consequence: intron variant.
Genome position (GRCh38, 1-based): chr2:178,615,302, C deleted on the plus strand (G on the coding strand, the reverse complement: TTN is on the minus strand); the first of 2 consecutive C bases (chr2:178,615,302-178,615,303); deleting either gives the same sequence. VCF-style (leftmost placement, unchanged base first): chr2-178615301-AC-A. GRCh37 (hg19) VCF-style: chr2-179480028-AC-A.
Other names: c.21443+5delG (NM_003319.4); c.21443+5del (NM_003319.4); c.22019+5del (NM_133437.4); c.21818+5del (NM_133432.3); c.40934+5del (NM_133378.4); c.43715+5del (NM_001256850.1).
Identifiers: ClinVar variation 1040303 (VCV001040303.9), dbSNP rs2057135287, ClinGen allele CA1310549792.

ClinVar aggregate classification (germline): Uncertain significance. Review status: criteria provided, multiple submitters, no conflicts (2 of 4 stars). 2 submissions from 2 submitters: Uncertain significance (2). Last evaluated 2022-11-01.

Conditions:
Cardiovascular phenotype. Identifiers: MedGen CN230736.
Dilated cardiomyopathy 1G (CMD1G). Identifiers: Orphanet 154, MedGen C1858763, MONDO:0011400, OMIM 604145.
Autosomal recessive limb-girdle muscular dystrophy type 2J (LGMDR10). Also called: Limb-girdle muscular dystrophy, type 2J; MUSCULAR DYSTROPHY, LIMB-GIRDLE, AUTOSOMAL RECESSIVE 10. Identifiers: Orphanet 140922, MedGen C1837342, MONDO:0012127, OMIM 608807.

Submissions (2):

Labcorp Genetics (formerly Invitae), Labcorp
Classification: Uncertain significance for Dilated cardiomyopathy 1G; Autosomal recessive limb-girdle muscular dystrophy type 2J. Last evaluated: 2022-11-01. Review status: criteria provided, single submitter. Criteria: Invitae Variant Classification Sherloc (09022015). Collection method: clinical testing. Allele origin: germline.
Comment: In summary, the available evidence is currently insufficient to determine the role of this variant in disease. Therefore, it has been classified as a Variant of Uncertain Significance. This variant is located in the A band of TTN (PMID: 25589632). Variants in this region may be relevant for cardiac or neuromuscular disorders (PMID: 25589632, 23975875). Variants that disrupt the consensus splice site are a relatively common cause of aberrant splicing (PMID: 17576681, 9536098). Algorithms developed to predict the effect of sequence changes on RNA splicing suggest that this variant may disrupt the consensus splice site. ClinVar contains an entry for this variant (Variation ID: 1040303). This variant has been observed in individual(s) with clinical features of autosomal recessive centronuclear myopathy (Invitae). In at least one individual the data is consistent with being in trans (on the opposite chromosome) from a pathogenic variant. This variant is not present in population databases (gnomAD no frequency). This sequence change falls in intron 259 of the TTN gene. It does not directly change the encoded amino acid sequence of the TTN protein. It affects a nucleotide within the consensus splice site.

Ambry Genetics
Classification: Uncertain significance for Cardiovascular phenotype. Last evaluated: 2020-07-07. Review status: criteria provided, single submitter. Criteria: Ambry Variant Classification Scheme 2023. Collection method: clinical testing. Allele origin: germline.
Comment: The c.21443+5delG intronic variant is located 5 nucleotides after coding exon 86 in the TTN gene. This variant results from a deletion of one nucleotide at position c.21443+5. This nucleotide position is highly conserved in available vertebrate species. Using two different splice site prediction tools, this alteration is predicted by BDGP to abolish the native splice donor site, but is predicted to weaken (but not abolish) the efficiency of the native splice donor site by ESEfinder; however, direct evidence is unavailable. Since supporting evidence is limited at this time, the clinical significance of this alteration remains unclear.

Literature cited by the submitters: PubMed 25589632 (cited by Labcorp Genetics (formerly Invitae), Labcorp); PubMed 23975875 (cited by Labcorp Genetics (formerly Invitae), Labcorp); PubMed 17576681 (cited by Labcorp Genetics (formerly Invitae), Labcorp); PubMed 9536098 (cited by Labcorp Genetics (formerly Invitae), Labcorp).